The following is an entry in ClinVar:

NM_003730.6(RNASET2):c.381G>A (p.Ala127=)

Gene: RNASET2 (ribonuclease T2; minus strand). Cytogenetic location: 6q27.
Variant type: single nucleotide variant.
Coding change: c.381G>A on transcript NM_003730.6 (MANE Select); coding-DNA position 381, G replaced by A.
Protein change: p.Ala127=; no amino-acid change (alanine 127 retained).
Molecular consequence: synonymous variant.
Genome position (GRCh38, 1-based): chr6:166,938,960, C>T on the plus strand (G>A on the coding strand, the complement: RNASET2 is on the minus strand). VCF-style: chr6-166938960-C-T. GRCh37 (hg19) VCF-style: chr6-167352448-C-T.
Identifiers: ClinVar variation 745323 (VCV000745323.12), dbSNP rs140749759, ClinGen allele CA4095015.

ClinVar aggregate classification (germline): Likely benign. Review status: criteria provided, multiple submitters, no conflicts (2 of 4 stars). 3 submissions from 3 submitters: Likely benign (2). 1 of the submissions does not count toward it. Last evaluated 2024-11-25.

Conditions:
RNASET2-related disorder. Also called: RNASET2-related condition.

Allele frequency attached by ClinVar (database versions not stated): TOPMed 0.00006; gnomAD 0.00009 and 0.00010; ExAC 0.00010; gnomAD exomes 0.00013; 1000 Genomes Project 30x 0.00016; 1000 Genomes Project 0.00020.
gnomAD v4.1: 106 of 1,613,784 alleles (0.0066%); highest among the groups gnomAD compares: Admixed American, 0.012%; no homozygotes.

Submissions (3):

Blueprint Genetics
Classification: Likely benign. Last evaluated: 2024-11-25. Review status: criteria provided, single submitter. Criteria: ACMG Guidelines, 2015. Collection method: clinical testing. Allele origin: germline.

Labcorp Genetics (formerly Invitae), Labcorp
Classification: Likely benign. Last evaluated: 2023-12-22. Review status: criteria provided, single submitter. Criteria: Invitae Variant Classification Sherloc (09022015). Collection method: clinical testing. Allele origin: germline.

PreventionGenetics, part of Exact Sciences
Classification: Likely benign for RNASET2-related condition. Last evaluated: 2019-10-28. Review status: no assertion criteria provided. Collection method: clinical testing. Allele origin: germline. Not counted in ClinVar's aggregate classification.
Comment: This variant is classified as likely benign based on ACMG/AMP sequence variant interpretation guidelines (Richards et al. 2015 PMID: 25741868, with internal and published modifications).